The following is an entry in ClinVar:

NM_001363711.2(DUOX2):c.2665G>T (p.Glu889Ter)

Gene: DUOX2 (dual oxidase 2; minus strand). Cytogenetic location: 15q21.1.
Variant type: single nucleotide variant.
Coding change: c.2665G>T on transcript NM_001363711.2 (MANE Select); coding-DNA position 2665, G replaced by T.
Protein change: p.Glu889Ter; replaces glutamic acid 889 with a stop codon.
Molecular consequence: nonsense.
Genome position (GRCh38, 1-based): chr15:45,101,979, C>A on the plus strand (G>T on the coding strand, the complement: DUOX2 is on the minus strand). VCF-style: chr15-45101979-C-A. GRCh37 (hg19) VCF-style: chr15-45394177-C-A.
Other names: c.2665G>T, p.Glu889Ter (NM_014080.5); short protein forms E889*.
Identifiers: ClinVar variation 649026 (VCV000649026.12), dbSNP rs376983373, ClinGen allele CA7538180.

ClinVar aggregate classification (germline): Pathogenic/Likely pathogenic. Review status: criteria provided, multiple submitters, no conflicts (2 of 4 stars). 5 submissions from 5 submitters: Pathogenic (1); Likely pathogenic (4). Last evaluated 2026-01-31.

Conditions:
Thyroid dyshormonogenesis 6 (TDH6). Also called: HYPOTHYROIDISM, CONGENITAL, DUE TO DYSHORMONOGENESIS, 6; THYROID HORMONOGENESIS, GENETIC DEFECT IN, 6; Genetic transient congenital hypothyroidism. Identifiers: Orphanet 226316, Orphanet 95716, MedGen C1846632, MONDO:0011792, OMIM 607200.
DUOX2-related disorder. Also called: DUOX2-related condition.

Allele frequency attached by ClinVar (database versions not stated): TOPMed 0.00015; gnomAD 0.00019; ExAC 0.00002; ESP Exome Variant Server 0.00008.
gnomAD v4.1: 45 of 1,614,052 alleles (0.0028%); highest among the groups gnomAD compares: African/African-American, 0.059%; no homozygotes.

Submissions (5):

Labcorp Genetics (formerly Invitae), Labcorp
Classification: Pathogenic. Last evaluated: 2026-01-31. Review status: criteria provided, single submitter. Criteria: Invitae Variant Classification Sherloc (09022015). Collection method: clinical testing. Allele origin: germline.
Comment: This sequence change creates a premature translational stop signal (p.Glu889*) in the DUOX2 gene. It is expected to result in an absent or disrupted protein product. Loss-of-function variants in DUOX2 are known to be pathogenic (PMID: 12110737, 18765513, 21565790, 24423310, 24735383). This variant is present in population databases (rs376983373, gnomAD 0.03%). This variant has not been reported in the literature in individuals affected with DUOX2-related conditions. ClinVar contains an entry for this variant (Variation ID: 649026). For these reasons, this variant has been classified as Pathogenic.

Variantyx, Inc.
Classification: Likely pathogenic for Thyroid dyshormonogenesis 6. Last evaluated: 2026-01-22. Review status: criteria provided, single submitter. Criteria: Variantyx Assertion Criteria 2022. Collection method: clinical testing. Allele origin: germline. Inheritance: Autosomal recessive inheritance.
Comment: This is a nonsense variant in the DUOX2 gene (OMIM: 606759). Pathogenic variants in this gene have been associated with autosomal recessive thyroid dyshormonogenesis 6. This variant introduces a premature termination codon in exon 21 out of 34 and is expected to result in loss of function, which is a known disease mechanism for DUOX2 in this disorder (PMID: 12110737) (PVS1). This variant has a 0.0587% maximum allele frequency in non-founder control populations (PM2). Based on the current evidence, this variant is classified as likely pathogenic for autosomal recessive thyroid dyshormonogenesis 6.

PreventionGenetics, part of Exact Sciences
Classification: Likely pathogenic for DUOX2-related condition. Last evaluated: 2024-10-23. Review status: criteria provided, single submitter. Criteria: ACMG Guidelines, 2015. Collection method: clinical testing. Allele origin: germline.
Comment: The DUOX2 c.2665G>T variant is predicted to result in premature protein termination (p.Glu889*). To our knowledge, this variant has not been reported in the literature in individuals with DUOX2-related disease and is reported in 0.032% of alleles in individuals of African descent in gnomAD. Nonsense variants in DUOX2 are expected to be pathogenic. This variant is interpreted as likely pathogenic.

Fulgent Genetics
Classification: Likely pathogenic for Thyroid dyshormonogenesis 6. Last evaluated: 2024-01-30. Review status: criteria provided, single submitter. Criteria: ACMG Guidelines, 2015. Collection method: clinical testing. Allele origin: germline.

GeneDx
Classification: Likely pathogenic. Last evaluated: 2023-03-24. Review status: criteria provided, single submitter. Criteria: GeneDx Variant Classification Process June 2021. Collection method: clinical testing. Allele origin: germline. Affected: yes.
Comment: Nonsense variant predicted to result in protein truncation or nonsense mediated decay in a gene for which loss of function is a known mechanism of disease; Identified in a study of carrier frequency of DUOX2 variants in the general population (Park et al., 2021), but not reported in individuals with DUOX2-related hypothyroidism to our knowledge; This variant is associated with the following publications: (PMID: Coyle2021[CaseReport], 34200080)

Literature cited by the submitters: PubMed 12110737 (cited by Labcorp Genetics (formerly Invitae), Labcorp and Variantyx, Inc.); PubMed 18765513 (cited by Labcorp Genetics (formerly Invitae), Labcorp); PubMed 21565790 (cited by Labcorp Genetics (formerly Invitae), Labcorp); PubMed 24423310 (cited by Labcorp Genetics (formerly Invitae), Labcorp); PubMed 24735383 (cited by Labcorp Genetics (formerly Invitae), Labcorp).